The following is an entry in ClinVar:

NM_173354.5(SIK1):c.2169_2171del (p.Ala725del)

Gene: SIK1 (salt inducible kinase 1; minus strand). Cytogenetic location: 21q22.3.
Variant type: Deletion.
Coding change: c.2169_2171del on transcript NM_173354.5 (MANE Select); coding-DNA positions 2169 to 2171, 3 bases deleted (AGC; older notation c.2169_2171delAGC).
Protein change: p.Ala725del; deletes alanine 725.
Molecular consequence: inframe deletion.
Genome position (GRCh38, 1-based): chr21:43,416,923-43,416,925, GCT deleted on the plus strand (AGC on the coding strand, the reverse complement: SIK1 is on the minus strand); deleting any 3 consecutive bases within chr21:43,416,923-43,416,926 gives the same sequence; the c. name uses the placement nearest the transcript's 3' end. VCF-style (leftmost placement, unchanged base first): chr21-43416922-CGCT-C. GRCh37 (hg19) VCF-style: chr21-44836802-CGCT-C.
Other names: short protein forms A725del.
Identifiers: ClinVar variation 2827881 (VCV002827881.3), dbSNP rs2516963772, ClinGen allele CA2739267694.

ClinVar aggregate classification (germline): Uncertain significance (1 of 4 stars; one submission).

Conditions:
Developmental and epileptic encephalopathy, 30 (DEE30). Also called: Epileptic encephalopathy, early infantile, 30. Identifiers: MedGen C4225360, MONDO:0014595, OMIM 616341.

Submission:

Labcorp Genetics (formerly Invitae), Labcorp
Classification: Uncertain significance for Developmental and epileptic encephalopathy, 30. Last evaluated: 2023-01-12. Review status: criteria provided, single submitter. Criteria: Invitae Variant Classification Sherloc (09022015). Collection method: clinical testing. Allele origin: germline.
Comment: This variant, c.2169_2171del, results in the deletion of 1 amino acid(s) of the SIK1 protein (p.Ala725del), but otherwise preserves the integrity of the reading frame. This variant is not present in population databases (gnomAD no frequency). This variant has not been reported in the literature in individuals affected with SIK1-related conditions. Experimental studies and prediction algorithms are not available or were not evaluated, and the functional significance of this variant is currently unknown. In summary, the available evidence is currently insufficient to determine the role of this variant in disease. Therefore, it has been classified as a Variant of Uncertain Significance.